The following is an entry in ClinVar:

NM_005548.3(KARS1):c.815A>C (p.Asn272Thr)

Gene: KARS1 (lysyl-tRNA synthetase 1; minus strand). Cytogenetic location: 16q23.1.
Variant type: single nucleotide variant.
Coding change: c.815A>C on transcript NM_005548.3 (MANE Select); coding-DNA position 815, A replaced by C.
Protein change: p.Asn272Thr; replaces asparagine 272 with threonine.
Molecular consequence: missense variant.
Genome position (GRCh38, 1-based): chr16:75,634,273, T>G on the plus strand (A>C on the coding strand, the complement: KARS1 is on the minus strand). VCF-style: chr16-75634273-T-G. GRCh37 (hg19) VCF-style: chr16-75668171-T-G.
Other names: c.899A>C, p.Asn300Thr (NM_001130089.2); c.347A>C, p.Asn116Thr (NM_001378148.1); short protein forms N300T, N272T, N116T.
Identifiers: ClinVar variation 2053079 (VCV002053079.4), dbSNP rs2507564779, ClinGen allele CA396812570.

ClinVar aggregate classification (germline): Uncertain significance (1 of 4 stars; one submission).

Submission:

Labcorp Genetics (formerly Invitae), Labcorp
Classification: Uncertain significance. Last evaluated: 2024-09-23. Review status: criteria provided, single submitter. Criteria: Invitae Variant Classification Sherloc (09022015). Collection method: clinical testing. Allele origin: germline.
Comment: This sequence change replaces asparagine, which is neutral and polar, with threonine, which is neutral and polar, at codon 300 of the KARS protein (p.Asn300Thr). This variant is not present in population databases (gnomAD no frequency). This variant has not been reported in the literature in individuals affected with KARS-related conditions. ClinVar contains an entry for this variant (Variation ID: 2053079). Invitae Evidence Modeling of protein sequence and biophysical properties (such as structural, functional, and spatial information, amino acid conservation, physicochemical variation, residue mobility, and thermodynamic stability) indicates that this missense variant is not expected to disrupt KARS protein function with a negative predictive value of 80%. In summary, the available evidence is currently insufficient to determine the role of this variant in disease. Therefore, it has been classified as a Variant of Uncertain Significance.